The following is an entry in ClinVar:

NM_000038.6(APC):c.3966A>T (p.Glu1322Asp)

Gene: APC (APC regulator of Wnt signaling pathway; plus strand). Cytogenetic location: 5q22.2.
Variant type: single nucleotide variant.
Coding change: c.3966A>T on transcript NM_000038.6 (MANE Select); coding-DNA position 3966, A replaced by T.
Protein change: p.Glu1322Asp; replaces glutamic acid 1322 with aspartic acid.
Molecular consequence: missense variant. On other transcripts: non-coding transcript variant (2).
Genome position (GRCh38, 1-based): chr5:112,839,560, A>T. VCF-style: chr5-112839560-A-T. GRCh37 (hg19) VCF-style: chr5-112175257-A-T.
Other names: c.3966A>T, p.Glu1322Asp (NM_001127510.3, NM_001354895.2, NM_001407450.1); c.3912A>T, p.Glu1304Asp (NM_001127511.3); c.4020A>T, p.Glu1340Asp (NM_001354896.2, NM_001407447.1, NM_001407448.1 and 1 more transcripts); c.3996A>T, p.Glu1332Asp (NM_001354897.2); c.3891A>T, p.Glu1297Asp (NM_001354898.2); c.3882A>T, p.Glu1294Asp (NM_001354899.2); c.3843A>T, p.Glu1281Asp (NM_001354900.2); c.3789A>T, p.Glu1263Asp (NM_001354901.2, NM_001407453.1); and 11 more; short protein forms E1193D, E1196D, E1263D, E1340D, E1221D, E1297D, E1304D, E1315D.
Identifiers: ClinVar variation 4825029 (VCV004825029.1).

ClinVar aggregate classification (germline): Uncertain significance (1 of 4 stars; one submission).

Conditions:
Hereditary cancer-predisposing syndrome. Also called: Neoplastic Syndromes, Hereditary; Tumor predisposition; Hereditary Cancer Syndrome; Hereditary neoplastic syndrome. Identifiers: Orphanet 140162, MedGen C0027672, MeSH D009386, MONDO:0015356.

Submission:

Ambry Genetics
Classification: Uncertain significance for Hereditary cancer-predisposing syndrome. Last evaluated: 2026-01-18. Review status: criteria provided, single submitter. Criteria: Ambry Variant Classification Scheme 2023. Collection method: clinical testing. Allele origin: germline.
Comment: The p.E1322D variant (also known as c.3966A>T), located in coding exon 15 of the APC gene, results from an A to T substitution at nucleotide position 3966. The glutamic acid at codon 1322 is replaced by aspartic acid, an amino acid with highly similar properties. This amino acid position is conserved. In addition, in silico predictors for this gene do not accurately predict pathogenicity. Based on the available evidence, the clinical significance of this variant remains unclear.